The following is an entry in ClinVar:

ClinVar aggregate classification (germline): Uncertain significance (1 of 4 stars; one submission).

Submission:

CeGaT Center for Human Genetics Tuebingen
Classification: Uncertain significance. Last evaluated: 2026-09-01. Review status: criteria provided, single submitter. Criteria: CeGaT Center For Human Genetics Tuebingen Variant Classification Criteria Version 2. Collection method: clinical testing. Allele origin: germline. Affected: yes. Observed: 1 variant allele.
Comment: MYT1L: PM2, BP4

NM_001303052.2(MYT1L):c.1238C>A (p.Thr413Asn)

Gene: MYT1L (myelin transcription factor 1 like; minus strand). Cytogenetic location: 2p25.3.
Variant type: single nucleotide variant.
Coding change: c.1238C>A on transcript NM_001303052.2 (MANE Select); coding-DNA position 1238, C replaced by A.
Protein change: p.Thr413Asn; replaces threonine 413 with asparagine.
Molecular consequence: missense variant.
Genome position (GRCh38, 1-based): chr2:1,922,531, G>T on the plus strand (C>A on the coding strand, the complement: MYT1L is on the minus strand). VCF-style: chr2-1922531-G-T. GRCh37 (hg19) VCF-style: chr2-1926303-G-T.
Other names: c.1238C>A, p.Thr413Asn (NM_001329844.2, NM_001329845.1, NM_001329846.3 and 6 more transcripts); short protein forms T413N.
Identifiers: ClinVar variation 5041755 (VCV005041755.1).
Genomic context (GRCh38, chr2:1,922,531, plus strand): 5'-AGGGTCAGGTTCCCCTTGGTCATGTCGAACACCTCTTCAGACCTGTCCGAGTTCACAGAG[G>T]TGGTATCGTCGTCCCGCTCATGACACCCATCCTCCTTCGCACAGCTGGCAAACACTCTCG-3'
Protein context (NP_001289981.1, residues 403-423): DGCHERDDDT[Thr413Asn]SVNSDRSEEV